The following is an entry in ClinVar:

NM_152296.5(ATP1A3):c.2318A>G (p.Asn773Ser)

Gene: ATP1A3 (ATPase Na+/K+ transporting subunit alpha 3; minus strand). Cytogenetic location: 19q13.2.
Variant type: single nucleotide variant.
Coding change: c.2318A>G on transcript NM_152296.5 (MANE Select); coding-DNA position 2318, A replaced by G.
Protein change: p.Asn773Ser; replaces asparagine 773 with serine.
Molecular consequence: missense variant.
Genome position (GRCh38, 1-based): chr19:41,970,488, T>C on the plus strand (A>G on the coding strand, the complement: ATP1A3 is on the minus strand). VCF-style: chr19-41970488-T-C. GRCh37 (hg19) VCF-style: chr19-42474640-T-C.
Other names: c.2351A>G, p.Asn784Ser (NM_001256213.2); c.2357A>G, p.Asn786Ser (NM_001256214.2); short protein forms N773S, N786S, N784S.
Identifiers: ClinVar variation 161138 (VCV000161138.12), dbSNP rs606231437, ClinGen allele CA346021.

ClinVar aggregate classification (germline): Pathogenic. Review status: criteria provided, multiple submitters, no conflicts (2 of 4 stars). 4 submissions from 4 submitters: Pathogenic (4). Last evaluated 2025-04-11.

Conditions:
Alternating hemiplegia of childhood 2 (AHC2). Also called: Alternating Hemiplegia of Childhood (AHC). Identifiers: Orphanet 2131, MedGen C3553788, MONDO:0013900, OMIM 614820.
Dystonia 12 (DYT12). Also called: DYT-ATP1A3; Rapid-Onset Dystonia-Parkinsonism (RDP). Identifiers: Orphanet 71517, MedGen C1868681, MONDO:0007496, OMIM 128235.

Submissions (4):

GeneDx
Classification: Pathogenic. Last evaluated: 2025-04-11. Review status: criteria provided, single submitter. Criteria: GeneDx Variant Classification Process June 2021. Collection method: clinical testing. Allele origin: germline. Affected: yes.
Comment: Not observed at significant frequency in large population cohorts (gnomAD); In silico analysis supports that this missense variant has a deleterious effect on protein structure/function; This variant is associated with the following publications: (PMID: 32454213, 35177115, 26417536, 27312461, 24739246, 25447930, 26410222, 27577505, 22842232, 31061839, 31942761, 39088707)

Labcorp Genetics (formerly Invitae), Labcorp
Classification: Pathogenic for Dystonia 12. Last evaluated: 2024-11-11. Review status: criteria provided, single submitter. Criteria: Invitae Variant Classification Sherloc (09022015). Collection method: clinical testing. Allele origin: germline.
Comment: This sequence change replaces asparagine, which is neutral and polar, with serine, which is neutral and polar, at codon 773 of the ATP1A3 protein (p.Asn773Ser). This variant is not present in population databases (gnomAD no frequency). This missense change has been observed in individual(s) with ATP1A3-related conditions (PMID: 22842232, 32454213). In at least one individual the variant was observed to be de novo. ClinVar contains an entry for this variant (Variation ID: 161138). Invitae Evidence Modeling of protein sequence and biophysical properties (such as structural, functional, and spatial information, amino acid conservation, physicochemical variation, residue mobility, and thermodynamic stability) indicates that this missense variant is expected to disrupt ATP1A3 protein function with a positive predictive value of 95%. For these reasons, this variant has been classified as Pathogenic.

3billion
Classification: Pathogenic for Alternating hemiplegia of childhood 2. Last evaluated: 2021-10-02. Review status: criteria provided, single submitter. Criteria: ACMG Guidelines, 2015. Collection method: clinical testing. Allele origin: germline. Affected: yes. Observed: 1 heterozygote.
Comment: Same nucleotide change resulting in same amino acid change has been previously reported as pathogenic/likely pathogenic with strong evidence (ClinVar ID: VCV000161138.2, PS1_S). The missense variant is located in a mutational hot spot and/or well-established functional domain in which established pathogenic variants have been reported (PM1). It is not observed in the gnomAD v2.1.1 dataset (PM2). A different missense change at the same codon (p.Asn773Ile) has been reported as pathogenic (VCV000161139.1, PM5). The variant was observed as assumed (i.e. paternity and maternity not confirmed) de novoo (3billion dataset, PM6). In silico tool predictions suggest damaging effect of the variant on gene or gene product (REVEL: 0.679, PP3). Therefore, this variant is classified as pathogenic according to the recommendation of ACMG/AMP guideline.

Institute of Human Genetics, University of Leipzig Medical Center
Classification: Pathogenic for Alternating hemiplegia of childhood 2. Last evaluated: 2019-01-01. Review status: criteria provided, single submitter. Criteria: ACMG Guidelines, 2015. Collection method: clinical testing. Allele origin: unknown. Affected: yes.

Literature cited by the submitters: PubMed 22842232 (cited by Labcorp Genetics (formerly Invitae), Labcorp); PubMed 32454213 (cited by Labcorp Genetics (formerly Invitae), Labcorp).